The following is an entry in ClinVar:

ClinVar aggregate classification (germline): Uncertain significance. Review status: criteria provided, multiple submitters, no conflicts (2 of 4 stars). 4 submissions from 4 submitters: Uncertain significance (4). Last evaluated 2026-06-01.

Allele frequency attached by ClinVar (database versions not stated): ESP Exome Variant Server 0.00017; ExAC 0.00020.
gnomAD v4.1: 137 of 764,294 alleles (0.018%); highest among the groups gnomAD compares: South Asian, 0.062%; 1 homozygote.

Submissions (4):

CeGaT Center for Human Genetics Tuebingen
Classification: Uncertain significance. Last evaluated: 2026-06-01. Review status: criteria provided, single submitter. Criteria: CeGaT Center For Human Genetics Tuebingen Variant Classification Criteria Version 2. Collection method: clinical testing. Allele origin: germline. Affected: yes. Observed: 3 variant alleles.
Comment: SNORD118: PM2

Labcorp Genetics (formerly Invitae), Labcorp
Classification: Uncertain significance. Last evaluated: 2025-10-02. Review status: criteria provided, single submitter. Criteria: Invitae Variant Classification Sherloc (09022015). Collection method: clinical testing. Allele origin: germline.
Comment: This variant occurs in the SNORD118 gene, which encodes an RNA molecule that does not result in a protein product. This variant is present in population databases (rs374740618, gnomAD 0.07%). This variant has not been reported in the literature in individuals affected with SNORD118-related conditions. ClinVar contains an entry for this variant (Variation ID: 1386565). Experimental studies and prediction algorithms are not available or were not evaluated, and the functional significance of this variant is currently unknown. In summary, the available evidence is currently insufficient to determine the role of this variant in disease. Therefore, it has been classified as a Variant of Uncertain Significance.

GeneDx
Classification: Uncertain significance. Last evaluated: 2025-04-10. Review status: criteria provided, single submitter. Criteria: GeneDx Variant Classification Process June 2021. Collection method: clinical testing. Allele origin: germline. Affected: yes.
Comment: Identified with second SNORD118 variant in an individual with leukoencephalopathy, calcifications, and cysts (PMID: 37004603); Located in a non-coding RNA; In the absence of RNA/functional studies, the actual effect of this sequence change is unknown; This variant is associated with the following publications: (PMID: 37004603)

Blueprint Genetics
Classification: Uncertain significance. Last evaluated: 2024-11-15. Review status: criteria provided, single submitter. Criteria: ACMG Guidelines, 2015. Collection method: clinical testing. Allele origin: germline.

NR_033294.2(SNORD118):n.6C>T

Genes: SNORD118 (small nucleolar RNA, C/D box 118; minus strand), TMEM107 (transmembrane protein 107; minus strand). Cytogenetic location: 17p13.1.
Variant type: single nucleotide variant.
Molecular consequence: non-coding transcript variant (on NR_033294.2). On other transcripts: 3 prime UTR variant (5).
Genome position: GRCh38 VCF-style: chr17-8173583-G-A. GRCh37 (hg19) VCF-style: chr17-8076901-G-A.
Other names: c.*620C>T (NM_001351278.2, NM_001351279.2, NM_001351280.2 and 2 more transcripts).
Identifiers: ClinVar variation 1386565 (VCV001386565.30), dbSNP rs374740618, ClinGen allele CA8370839.
Genomic context (GRCh38, chr17:8,173,583, plus strand): 5'-TCCAATCATCATGTTCTAATCTGCCCTCCGGAGGAGGAACAGGTAAGGATTATCCCACCT[G>A]ACGATACAGACAAACAGCCGACATTCTGCACTCAGTGAAAAAGATTCCGTTACAAGCTAG-3'